The following is an entry in ClinVar:

ClinVar aggregate classification (germline): Uncertain significance (1 of 4 stars; one submission).

Conditions:
Hereditary spastic paraplegia 53. Also called: Spastic paraplegia 53, autosomal recessive. Identifiers: Orphanet 319199, MedGen C3539494, MONDO:0013962, OMIM 614898.

Allele frequency attached by ClinVar (database versions not stated): gnomAD exomes below 0.00001 and 0.00001; gnomAD 0.00001; TOPMed below 0.00001.
gnomAD v4.1: 5 of 1,613,944 alleles (0.00031%); highest among the groups gnomAD compares: Non-Finnish European, 0.00042%; no homozygotes.

Submission:

Labcorp Genetics (formerly Invitae), Labcorp
Classification: Uncertain significance for Hereditary spastic paraplegia 53. Last evaluated: 2022-03-15. Review status: criteria provided, single submitter. Criteria: Invitae Variant Classification Sherloc (09022015). Collection method: clinical testing. Allele origin: germline.
Comment: In summary, the available evidence is currently insufficient to determine the role of this variant in disease. Therefore, it has been classified as a Variant of Uncertain Significance. Algorithms developed to predict the effect of sequence changes on RNA splicing suggest that this variant may create or strengthen a splice site. Algorithms developed to predict the effect of missense changes on protein structure and function (SIFT, PolyPhen-2, Align-GVGD) all suggest that this variant is likely to be tolerated. ClinVar contains an entry for this variant (Variation ID: 1036357). This variant has not been reported in the literature in individuals affected with VPS37A-related conditions. This variant is present in population databases (no rsID available, gnomAD 0.0009%). This sequence change replaces alanine, which is neutral and non-polar, with serine, which is neutral and polar, at codon 151 of the VPS37A protein (p.Ala151Ser).

NM_152415.3(VPS37A):c.451G>T (p.Ala151Ser)

Gene: VPS37A (VPS37A subunit of ESCRT-I; plus strand). Cytogenetic location: 8p22.
Variant type: single nucleotide variant.
Coding change: c.451G>T on transcript NM_152415.3 (MANE Select); coding-DNA position 451, G replaced by T.
Protein change: p.Ala151Ser; replaces alanine 151 with serine.
Molecular consequence: missense variant.
Genome position (GRCh38, 1-based): chr8:17,274,767, G>T. VCF-style: chr8-17274767-G-T. GRCh37 (hg19) VCF-style: chr8-17132276-G-T.
Other names: c.376G>T, p.Ala126Ser (NM_001145152.2); c.451G>T, p.Ala151Ser (NM_001363167.1, NM_001363173.2); c.181G>T, p.Ala61Ser (NM_001363168.1, NM_001363169.1, NM_001363170.1 and 2 more transcripts); short protein forms A126S, A151S, A61S.
Identifiers: ClinVar variation 1036357 (VCV001036357.5), dbSNP rs1326352833, ClinGen allele CA370401190.